The following is an entry in ClinVar:

ClinVar aggregate classification (germline): Uncertain significance (1 of 4 stars; one submission).

Submission:

Labcorp Genetics (formerly Invitae), Labcorp
Classification: Uncertain significance. Last evaluated: 2025-11-19. Review status: criteria provided, single submitter. Criteria: Invitae Variant Classification Sherloc (09022015). Collection method: clinical testing. Allele origin: germline.
Comment: This sequence change replaces tryptophan, which is neutral and slightly polar, with arginine, which is basic and polar, at codon 206 of the NLRP1 protein (p.Trp206Arg). This variant is not present in population databases (gnomAD no frequency). This variant has not been reported in the literature in individuals affected with NLRP1-related conditions. An algorithm developed to predict the effect of missense changes on protein structure and function (PolyPhen-2) suggests that this variant is likely to be tolerated. In summary, the available evidence is currently insufficient to determine the role of this variant in disease. Therefore, it has been classified as a Variant of Uncertain Significance.

NM_033004.4(NLRP1):c.616T>C (p.Trp206Arg)

Gene: NLRP1 (NLR family pyrin domain containing 1; minus strand). Cytogenetic location: 17p13.2.
Variant type: single nucleotide variant.
Coding change: c.616T>C on transcript NM_033004.4 (MANE Select); coding-DNA position 616, T replaced by C.
Protein change: p.Trp206Arg; replaces tryptophan 206 with arginine.
Molecular consequence: missense variant.
Genome position (GRCh38, 1-based): chr17:5,581,895, A>G on the plus strand (T>C on the coding strand, the complement: NLRP1 is on the minus strand). VCF-style: chr17-5581895-A-G. GRCh37 (hg19) VCF-style: chr17-5485215-A-G.
Other names: c.616T>C, p.Trp206Arg (NM_001033053.3, NM_014922.5, NM_033006.4 and 1 more transcripts); short protein forms W206R.
Identifiers: ClinVar variation 4730902 (VCV004730902.1).